The following is an entry in ClinVar:

ClinVar aggregate classification (germline): Likely benign. Review status: criteria provided, multiple submitters, no conflicts (2 of 4 stars). 3 submissions from 3 submitters: Likely benign (2). 1 of the submissions does not count toward it. Last evaluated 2025-11-27.

Conditions:
Cohen syndrome (COH1). Also called: PEPPER SYNDROME; Cutis verticis gyrata, retinitis pigmentosa, and sensorineural deafness. Identifiers: Orphanet 193, MedGen C0265223, MONDO:0008999, OMIM 216550.
VPS13B-related disorder. Also called: VPS13B-related condition.

Allele frequency attached by ClinVar (database versions not stated): ExAC 0.00003; gnomAD exomes 0.00004 and 0.00010; TOPMed 0.00005; gnomAD 0.00006.
gnomAD v4.1: 147 of 1,599,914 alleles (0.0092%); highest among the groups gnomAD compares: Non-Finnish European, 0.012%; no homozygotes.

Submissions (3):

Labcorp Genetics (formerly Invitae), Labcorp
Classification: Likely benign for Cohen syndrome. Last evaluated: 2025-11-27. Review status: criteria provided, single submitter. Criteria: Invitae Variant Classification Sherloc (09022015). Collection method: clinical testing. Allele origin: germline.

Blueprint Genetics
Classification: Likely benign. Last evaluated: 2024-02-19. Review status: criteria provided, single submitter. Criteria: ACMG Guidelines, 2015. Collection method: clinical testing. Allele origin: germline.

PreventionGenetics, part of Exact Sciences
Classification: Likely benign for VPS13B-related condition. Last evaluated: 2022-05-11. Review status: no assertion criteria provided. Collection method: clinical testing. Allele origin: germline. Not counted in ClinVar's aggregate classification.
Comment: This variant is classified as likely benign based on ACMG/AMP sequence variant interpretation guidelines (Richards et al. 2015 PMID: 25741868, with internal and published modifications).

NM_152564.5(VPS13B):c.1209C>T (p.Leu403=)

Gene: VPS13B (vacuolar protein sorting 13 homolog B; plus strand). Cytogenetic location: 8q22.2.
Variant type: single nucleotide variant.
Coding change: c.1209C>T on transcript NM_152564.5 (MANE Select); coding-DNA position 1209, C replaced by T.
Protein change: p.Leu403=; no amino-acid change (leucine 403 retained).
Molecular consequence: synonymous variant.
Genome position (GRCh38, 1-based): chr8:99,134,634, C>T. VCF-style: chr8-99134634-C-T. GRCh37 (hg19) VCF-style: chr8-100146862-C-T.
Other names: c.1209C>T (NM_152564.4); c.1209C>T, p.Leu403= (NM_015243.3, NM_017890.5).
Identifiers: ClinVar variation 702893 (VCV000702893.13), dbSNP rs756539595, ClinGen allele CA4822583.
Genomic context (GRCh38, chr8:99,134,634, plus strand): 5'-ACAATTTATTGCTCTTTAATACTAAATTTGATTTACTTAATATTCTTATATTTCTTAGCT[C>T]ACAGAAATGCAAGTTGAGAGTAGTTATTACAGTCCACAGAAAGTAAAATCTAAAGAAGTA-3'
Protein context (NP_689777.3, residues 393-413): YCTKATVTFK[Leu403=]TEMQVESSYY